The following is an entry in ClinVar:

NM_001379200.1(TBX1):c.215CGC[4] (p.Pro76del)

Gene: TBX1 (T-box transcription factor 1; plus strand). Cytogenetic location: 22q11.21.
Variant type: Microsatellite.
Coding change: c.215CGC[4] on transcript NM_001379200.1 (MANE Select); four copies in a row of the 3-base unit CGC starting at c.215; the reference has five copies in a row; one copy, 3 bases deleted.
Protein change: p.Pro76del; deletes proline 76.
Molecular consequence: inframe deletion.
Genome position (GRCh38, 1-based): chr22:19,761,070-19,761,072, CGC deleted; deleting any 3 consecutive bases within chr22:19,761,057-19,761,072 gives the same sequence; the position shown is the placement nearest the transcript's 3' end. VCF-style (leftmost placement, unchanged base first): chr22-19761056-CCCG-C. GRCh37 (hg19) VCF-style: chr22-19748579-CCCG-C.
Other names: c.188CGC[4], p.Pro67del (NM_005992.1, NM_080646.2, NM_080647.1); c.200_202delCGC (NM_080647.1); short protein forms P67del, P76del.
Identifiers: ClinVar variation 2151584 (VCV002151584.15), dbSNP rs1009463279, ClinGen allele CA513687790.

ClinVar aggregate classification (germline): Conflicting classifications of pathogenicity. Review status: criteria provided, conflicting classifications (1 of 4 stars). 5 submissions from 5 submitters: Uncertain significance (2); Benign (1); Likely benign (2). Last evaluated 2024-11-26.

Conditions:
Cardiovascular phenotype. Identifiers: MedGen CN230736.
DiGeorge syndrome. Also called: THIRD AND FOURTH PHARYNGEAL POUCH SYNDROME; Catch22. Identifiers: Orphanet 567, MedGen C0012236, MONDO:0008564, OMIM 188400.

Submissions (5):

Blueprint Genetics
Classification: Likely benign. Last evaluated: 2024-11-26. Review status: criteria provided, single submitter. Criteria: ACMG Guidelines, 2015. Collection method: clinical testing. Allele origin: germline.

CeGaT Center for Human Genetics Tuebingen
Classification: Benign. Last evaluated: 2024-08-01. Review status: criteria provided, single submitter. Criteria: CeGaT Center For Human Genetics Tuebingen Variant Classification Criteria Version 2. Collection method: clinical testing. Allele origin: germline. Affected: yes. Observed: 1 variant allele.
Comment: TBX1: BS1, BS2

Labcorp Genetics (formerly Invitae), Labcorp
Classification: Uncertain significance for DiGeorge syndrome. Last evaluated: 2024-04-29. Review status: criteria provided, single submitter. Criteria: Invitae Variant Classification Sherloc (09022015). Collection method: clinical testing. Allele origin: germline.
Comment: This variant, c.200_202del, results in the deletion of 1 amino acid(s) of the TBX1 protein (p.Pro67del), but otherwise preserves the integrity of the reading frame. The frequency data for this variant in the population databases is considered unreliable, as metrics indicate poor data quality at this position in the gnomAD database. This variant has not been reported in the literature in individuals affected with TBX1-related conditions. ClinVar contains an entry for this variant (Variation ID: 2151584). Experimental studies and prediction algorithms are not available or were not evaluated, and the functional significance of this variant is currently unknown. In summary, the available evidence is currently insufficient to determine the role of this variant in disease. Therefore, it has been classified as a Variant of Uncertain Significance.

Ambry Genetics
Classification: Likely benign for Cardiovascular phenotype. Last evaluated: 2023-10-19. Review status: criteria provided, single submitter. Criteria: Ambry Variant Classification Scheme 2023. Collection method: clinical testing. Allele origin: germline.

Women's Health and Genetics/Laboratory Corporation of America, LabCorp
Classification: Uncertain significance. Last evaluated: 2023-04-11. Review status: criteria provided, single submitter. Criteria: LabCorp Variant Classification Summary - May 2015. Collection method: clinical testing. Allele origin: germline.
Comment: Variant summary: TBX1 c.200_202delCGC (p.Pro67del) results in an in-frame deletion that is predicted to remove one amino acids from the encoded protein. The variant allele was found at a frequency of 0.0037 in 268 control chromosomes. The available data on variant occurrences in the general population are insufficient to allow any conclusion about variant significance. To our knowledge, no occurrence of c.200_202delCGC in individuals affected with Congenital Heart Disease and no experimental evidence demonstrating its impact on protein function have been reported. No clinical diagnostic laboratories have submitted clinical-significance assessments for this variant to ClinVar after 2014. Based on the evidence outlined above, the variant was classified as uncertain significance.